The following is an entry in ClinVar:

ClinVar aggregate classification (germline): Likely benign. Review status: criteria provided, multiple submitters, no conflicts (2 of 4 stars). 2 submissions from 2 submitters: Likely benign (2). Last evaluated 2025-10-02.

Conditions:
Charcot-Marie-Tooth disease type 2. Also called: Charcot-Marie-Tooth type 2. Identifiers: Orphanet 64746, MedGen C0270914, MONDO:0018993.

Allele frequency attached by ClinVar (database versions not stated): TOPMed 0.00002; gnomAD exomes 0.00001; ExAC 0.00002; gnomAD 0.00001.
gnomAD v4.1: 11 of 1,540,998 alleles (0.00071%); highest among the groups gnomAD compares: Non-Finnish European, 0.0009%; no homozygotes.

Submissions (2):

Labcorp Genetics (formerly Invitae), Labcorp
Classification: Likely benign for Charcot-Marie-Tooth disease type 2. Last evaluated: 2025-10-02. Review status: criteria provided, single submitter. Criteria: Invitae Variant Classification Sherloc (09022015). Collection method: clinical testing. Allele origin: germline.

GeneDx
Classification: Likely benign. Last evaluated: 2016-12-29. Review status: criteria provided, single submitter. Criteria: GeneDx Variant Classification (06012015). Collection method: clinical testing. Allele origin: germline. Affected: yes.
Comment: This variant is considered likely benign or benign based on one or more of the following criteria: it is a conservative change, it occurs at a poorly conserved position in the protein, it is predicted to be benign by multiple in silico algorithms, and/or has population frequency not consistent with disease.

NM_002047.4(GARS1):c.1700-17T>C

Gene: GARS1 (glycyl-tRNA synthetase 1; plus strand). Cytogenetic location: 7p14.3.
Variant type: single nucleotide variant.
Coding change: c.1700-17T>C on transcript NM_002047.4 (MANE Select); 17 bases into the intron before coding-DNA position 1700, T replaced by C.
Molecular consequence: intron variant.
Genome position (GRCh38, 1-based): chr7:30,628,543, T>C. VCF-style: chr7-30628543-T-C. GRCh37 (hg19) VCF-style: chr7-30668159-T-C.
Other names: c.1700-17T>C (LRG_243t1); c.1538-17T>C (NM_001316772.1).
Identifiers: ClinVar variation 392171 (VCV000392171.5), dbSNP rs775676664, ClinGen allele CA4206051.